The following is an entry in ClinVar:

NM_021098.3(CACNA1H):c.2451+3G>A

Gene: CACNA1H (calcium voltage-gated channel subunit alpha1 H; plus strand). Cytogenetic location: 16p13.3.
Variant type: single nucleotide variant.
Coding change: c.2451+3G>A on transcript NM_021098.3 (MANE Select); 3 bases into the intron after coding-DNA position 2451, G replaced by A.
Molecular consequence: intron variant.
Genome position (GRCh38, 1-based): chr16:1,204,461, G>A. VCF-style: chr16-1204461-G-A. GRCh37 (hg19) VCF-style: chr16-1254461-G-A.
Other names: c.2451+3G>A (NM_001005407.2).
Identifiers: ClinVar variation 851597 (VCV000851597.7), dbSNP rs1596422577, ClinGen allele CA916083465.
Genomic context (GRCh38, chr16:1,204,461, plus strand): 5'-CATCATGATGGCCATCCTTGTCAACACGCTGAGCATGGGCGTGGAGTACCATGAGCAGGT[G>A]CGGGCTGGCCTGGCCACGGGGTGGGCTCCCTGTCAGGCTTGCAGGGCCTGGGGAGTCTCA-3'

ClinVar aggregate classification (germline): Uncertain significance (1 of 4 stars; one submission).

Conditions:
Idiopathic generalized epilepsy. Also called: Generalised epilepsy; EIG. Identifiers: MedGen C0270850, MONDO:0005579, OMIM 600669.
Hyperaldosteronism, familial, type IV (HALD4). Also called: FH IV; ALDOSTERONISM, PRIMARY, AND HYPERTENSION. Identifiers: Orphanet 642671, MedGen C4310756, MONDO:0014875, OMIM 617027.

Allele frequency attached by ClinVar (database versions not stated): gnomAD exomes below 0.00001.
gnomAD v4.1: 1 of 1,527,296 alleles (0.000065%); highest among the groups gnomAD compares: Non-Finnish European, 0.000088%; no homozygotes.

Submission:

Labcorp Genetics (formerly Invitae), Labcorp
Classification: Uncertain significance for Idiopathic generalized epilepsy; Hyperaldosteronism, familial, type IV. Last evaluated: 2020-08-03. Review status: criteria provided, single submitter. Criteria: Invitae Variant Classification Sherloc (09022015). Collection method: clinical testing. Allele origin: germline.
Comment: In summary, the available evidence is currently insufficient to determine the role of this variant in disease. Therefore, it has been classified as a Variant of Uncertain Significance. Nucleotide substitutions within the consensus splice site are a relatively common cause of aberrant splicing (PMID: 17576681, 9536098). Algorithms developed to predict the effect of sequence changes on RNA splicing suggest that this variant is not likely to affect RNA splicing, but this prediction has not been confirmed by published transcriptional studies. This variant has not been reported in the literature in individuals with CACNA1H-related conditions. This variant is not present in population databases (ExAC no frequency). This sequence change falls in intron 10 of the CACNA1H gene. It does not directly change the encoded amino acid sequence of the CACNA1H protein, but it affects a nucleotide within the consensus splice site of the intron.

Literature cited by the submitters: PubMed 17576681; PubMed 9536098.